The following is an entry in ClinVar:

NM_005290.4(GPR15):c.366C>T (p.Leu122=)

Gene: GPR15 (G protein-coupled receptor 15; plus strand). Cytogenetic location: 3q11.2.
Variant type: single nucleotide variant.
Coding change: c.366C>T on transcript NM_005290.4 (MANE Select); coding-DNA position 366, C replaced by T.
Protein change: p.Leu122=; no amino-acid change (leucine 122 retained).
Molecular consequence: synonymous variant.
Genome position (GRCh38, 1-based): chr3:98,532,399, C>T. VCF-style: chr3-98532399-C-T. GRCh37 (hg19) VCF-style: chr3-98251243-C-T.
Identifiers: ClinVar variation 2653999 (VCV002653999.24), dbSNP rs2472055776, ClinGen allele CA434866051.
Genomic context (GRCh38, chr3:98,532,399, plus strand): 5'-CTCCTTCCTGTGCAAAGGGAGCTCCTACATGATCTCCGTCAATATGCACTGCAGTGTCCT[C>T]CTGCTCACTTGCATGAGTGTTGACCGCTACCTGGCCATTGTGTGGCCAGTCGTATCCAGG-3'
Protein context (NP_005281.1, residues 112-132): MISVNMHCSV[Leu122=]LLTCMSVDRY

ClinVar aggregate classification (germline): Likely benign (1 of 4 stars; one submission).

Submission:

CeGaT Center for Human Genetics Tuebingen
Classification: Likely benign. Last evaluated: 2022-09-01. Review status: criteria provided, single submitter. Criteria: CeGaT Center For Human Genetics Tuebingen Variant Classification Criteria Version 2. Collection method: clinical testing. Allele origin: germline. Affected: yes. Observed: 1 variant allele.
Comment: GPR15: PM2:Supporting, BP4, BP7